The following is an entry in ClinVar:

ClinVar aggregate classification (germline): Benign/Likely benign. Review status: criteria provided, multiple submitters, no conflicts (2 of 4 stars). 3 submissions from 3 submitters: Benign (2); Likely benign (1). Last evaluated 2025-08-01.

Allele frequency attached by ClinVar (database versions not stated): gnomAD exomes 0.00438 and 0.00435; ExAC 0.00540; 1000 Genomes Project 30x 0.00125; 1000 Genomes Project 0.00140; TOPMed 0.00243; gnomAD 0.00325 and 0.00336; ESP Exome Variant Server 0.00361.
gnomAD v4.1: 6,830 of 1,613,840 alleles (0.42%); highest among the groups gnomAD compares: Non-Finnish European, 0.49%; 24 homozygotes.

Submissions (3):

CeGaT Center for Human Genetics Tuebingen
Classification: Likely benign. Last evaluated: 2025-08-01. Review status: criteria provided, single submitter. Criteria: CeGaT Center For Human Genetics Tuebingen Variant Classification Criteria Version 2. Collection method: clinical testing. Allele origin: germline. Affected: yes. Observed: 1 variant allele.
Comment: PZP: BS2

Labcorp Genetics (formerly Invitae), Labcorp
Classification: Benign. Last evaluated: 2019-12-31. Review status: criteria provided, single submitter. Criteria: Invitae Variant Classification Sherloc (09022015). Collection method: clinical testing. Allele origin: germline.

Breakthrough Genomics
Classification: Benign. Review status: criteria provided, single submitter. Criteria: ACMG Guidelines, 2015. Collection method: not provided. Allele origin: germline. Inheritance: Unknown mechanism. Affected: yes.

NM_002864.3(PZP):c.2038C>T (p.Arg680Ter)

Genes: PZP (PZP alpha-2-macroglobulin like; minus strand), KLRG1 (killer cell lectin like receptor G1; plus strand). Cytogenetic location: 12p13.31.
Variant type: single nucleotide variant.
Coding change: c.2038C>T on transcript NM_002864.3 (MANE Select); coding-DNA position 2038, C replaced by T.
Protein change: p.Arg680Ter; replaces arginine 680 with a stop codon.
Molecular consequence: nonsense.
Genome position (GRCh38, 1-based): chr12:9,168,938, G>A on the plus strand (C>T on the coding strand, the complement: PZP is on the minus strand). VCF-style: chr12-9168938-G-A. GRCh37 (hg19) VCF-style: chr12-9321534-G-A.
Other names: short protein forms R680*.
Identifiers: ClinVar variation 790412 (VCV000790412.13), dbSNP rs145240281, ClinGen allele CA6439902.